The following is an entry in ClinVar:

NM_198173.3(GRHL3):c.1741C>T (p.His581Tyr)

Gene: GRHL3 (grainyhead like transcription factor 3; plus strand). Cytogenetic location: 1p36.11.
Variant type: single nucleotide variant.
Coding change: c.1741C>T on transcript NM_198173.3 (MANE Select); coding-DNA position 1741, C replaced by T.
Protein change: p.His581Tyr; replaces histidine 581 with tyrosine.
Molecular consequence: missense variant. On other transcripts: intron variant (1).
Genome position (GRCh38, 1-based): chr1:24,354,420, C>T. VCF-style: chr1-24354420-C-T. GRCh37 (hg19) VCF-style: chr1-24680910-C-T.
Other names: c.1741C>T (NM_198173.2); c.1603C>T, p.His535Tyr (NM_001195010.2); c.1756C>T, p.His586Tyr (NM_021180.4); c.1694+4298C>T (NM_198174.3); short protein forms H586Y, H581Y, H535Y.
Identifiers: ClinVar variation 4962724 (VCV004962724.2).
Genomic context (GRCh38, chr1:24,354,420, plus strand): 5'-CTCTTCCATTCCAGAATCTTAGTCAACATGGACAACAACATCATTCAGCATTACAGCAAC[C>T]ACGTCGCCTTCCTGCTGGACATGGGGGAGCTGGACGGCAAAATTCAGATCATCCTTAAGG-3'
Protein context (NP_937816.1, residues 571-591): DNNIIQHYSN[His581Tyr]VAFLLDMGEL

ClinVar aggregate classification (germline): Likely benign. Review status: criteria provided, multiple submitters, no conflicts (2 of 4 stars). 2 submissions from 2 submitters: Likely benign (2). Last evaluated 2025-02-04.

Conditions:
GRHL3-related disorder. Also called: GRHL3-related condition.

gnomAD v4.1: 974 of 1,613,782 alleles (0.06%); highest among the groups gnomAD compares: Non-Finnish European, 0.075%; 1 homozygote.

Submissions (2):

PreventionGenetics, part of Exact Sciences
Classification: Likely benign for GRHL3-related condition. Last evaluated: 2025-02-04. Review status: criteria provided, single submitter. Criteria: ACMG Guidelines, 2015. Collection method: clinical testing. Allele origin: germline.
Comment: This variant is classified as likely benign based on ACMG/AMP sequence variant interpretation guidelines (Richards et al. 2015 PMID: 25741868, with internal and published modifications).

Blueprint Genetics
Classification: Likely benign. Last evaluated: 2024-11-22. Review status: criteria provided, single submitter. Criteria: ACMG Guidelines, 2015. Collection method: clinical testing. Allele origin: germline.